The following is an entry in ClinVar:

ClinVar aggregate classification (germline): Uncertain significance (1 of 4 stars; one submission).

Conditions:
Genitopatellar syndrome (GTPTS). Also called: ABSENT PATELLAE, SCROTAL HYPOPLASIA, RENAL ANOMALIES, FACIAL DYSMORPHISM, AND MENTAL RETARDATION; Genitopatellar syndrome (GPS). Identifiers: Orphanet 85201, MedGen C1853566, MONDO:0011640, OMIM 606170.

gnomAD v4.1: 7 of 1,612,840 alleles (0.00043%); highest among the groups gnomAD compares: East Asian, 0.0045%; no homozygotes.

Submission:

Labcorp Genetics (formerly Invitae), Labcorp
Classification: Uncertain significance for Genitopatellar syndrome. Last evaluated: 2025-12-11. Review status: criteria provided, single submitter. Criteria: Invitae Variant Classification Sherloc (09022015). Collection method: clinical testing. Allele origin: germline.
Comment: This sequence change replaces arginine, which is basic and polar, with glutamine, which is neutral and polar, at codon 352 of the KAT6B protein (p.Arg352Gln). This variant is present in population databases (no rsID available, gnomAD 0.006%). This variant has not been reported in the literature in individuals affected with KAT6B-related conditions. An algorithm developed to predict the effect of missense changes on protein structure and function (PolyPhen-2) suggests that this variant is likely to be tolerated. In summary, the available evidence is currently insufficient to determine the role of this variant in disease. Therefore, it has been classified as a Variant of Uncertain Significance.

NM_012330.4(KAT6B):c.1055G>A (p.Arg352Gln)

Gene: KAT6B (lysine acetyltransferase 6B; plus strand). Cytogenetic location: 10q22.2.
Variant type: single nucleotide variant.
Coding change: c.1055G>A on transcript NM_012330.4 (MANE Select); coding-DNA position 1055, G replaced by A.
Protein change: p.Arg352Gln; replaces arginine 352 with glutamine.
Molecular consequence: missense variant. On other transcripts: intron variant (5).
Genome position (GRCh38, 1-based): chr10:74,972,633, G>A. VCF-style: chr10-74972633-G-A. GRCh37 (hg19) VCF-style: chr10-76732391-G-A.
Other names: c.1055G>A, p.Arg352Gln (NM_001256468.2, NM_001256469.2, NM_001370132.1 and 7 more transcripts); c.846+2858G>A (NM_001370133.1); c.193-6591G>A (NM_001370134.1); c.928+2532G>A (NM_001370143.1, NM_001370144.1); c.192+12555G>A (NM_001370135.1); short protein forms R352Q.
Identifiers: ClinVar variation 4740264 (VCV004740264.1).